The following is an entry in ClinVar:

ClinVar aggregate classification (germline): Uncertain significance (1 of 4 stars; one submission).

Conditions:
BBS9-related disorder. Also called: BBS9-related condition.

Submission:

PreventionGenetics, part of Exact Sciences
Classification: Uncertain significance for BBS9-related condition. Last evaluated: 2025-10-09. Review status: criteria provided, single submitter. Criteria: ACMG Guidelines, 2015. Collection method: clinical testing. Allele origin: germline.
Comment: The BBS9 c.1105C>G variant is predicted to result in the amino acid substitution p.Pro369Ala. To our knowledge, this variant has not been reported in the literature or in a large population database (gnomAD), indicating this variant is rare. At this time, the clinical significance of this variant is uncertain due to the absence of conclusive functional and genetic evidence.

NM_198428.3(BBS9):c.1105C>G (p.Pro369Ala)

Gene: BBS9 (Bardet-Biedl syndrome 9; plus strand). Cytogenetic location: 7p14.3.
Variant type: single nucleotide variant.
Coding change: c.1105C>G on transcript NM_198428.3 (MANE Select); coding-DNA position 1105, C replaced by G.
Protein change: p.Pro369Ala; replaces proline 369 with alanine.
Molecular consequence: missense variant. On other transcripts: non-coding transcript variant (3).
Genome position (GRCh38, 1-based): chr7:33,336,529, C>G. VCF-style: chr7-33336529-C-G. GRCh37 (hg19) VCF-style: chr7-33376141-C-G.
Other names: c.1105C>G, p.Pro369Ala (NM_001033604.2, NM_001033605.2, NM_001348036.1 and 5 more transcripts); c.739C>G, p.Pro247Ala (NM_001348037.3, NM_001348044.3, NM_001348045.3 and 1 more transcripts); c.832C>G, p.Pro278Ala (NM_001348038.3, NM_001348039.3); c.970C>G, p.Pro324Ala (NM_001348042.3); short protein forms P369A, P324A, P247A, P278A.
Identifiers: ClinVar variation 4993689 (VCV004993689.1).